The following is an entry in ClinVar:

NM_001370100.5(ZMYND11):c.231A>C (p.Lys77Asn)

Gene: ZMYND11 (zinc finger MYND-type containing 11; plus strand). Cytogenetic location: 10p15.3.
Variant type: single nucleotide variant.
Coding change: c.231A>C on transcript NM_001370100.5 (MANE Select); coding-DNA position 231, A replaced by C.
Protein change: p.Lys77Asn; replaces lysine 77 with asparagine.
Molecular consequence: missense variant. On other transcripts: non-coding transcript variant (1), intron variant (1).
Genome position (GRCh38, 1-based): chr10:210,003, A>C. VCF-style: chr10-210003-A-C. GRCh37 (hg19) VCF-style: chr10-255943-A-C.
Other names: c.231A>C, p.Lys77Asn (NM_001202464.3, NM_001202465.3, NM_001202466.3 and 24 more transcripts); c.180A>C, p.Lys60Asn (NM_001330057.3, NM_001370112.2, NM_001370123.2); c.165A>C, p.Lys55Asn (NM_001370116.2, NM_001370120.2); c.111A>C, p.Lys37Asn (NM_001370118.2, NM_001370121.2); c.-33-26835A>C (NM_001370124.3); short protein forms K37N, K55N, K60N, K77N.
Identifiers: ClinVar variation 4538894 (VCV004538894.1).

ClinVar aggregate classification (germline): Uncertain significance (1 of 4 stars; one submission).

Submission:

GeneDx
Classification: Uncertain significance. Last evaluated: 2025-06-17. Review status: criteria provided, single submitter. Criteria: GeneDx Variant Classification Process June 2021. Collection method: clinical testing. Allele origin: germline. Affected: yes.
Comment: Not observed at significant frequency in large population cohorts (gnomAD); In silico analysis supports that this missense variant has a deleterious effect on protein structure/function; Has not been previously published as pathogenic or benign to our knowledge